The following is an entry in ClinVar:

NM_000104.4(CYP1B1):c.1047T>C (p.Tyr349=)

Gene: CYP1B1 (cytochrome P450 family 1 subfamily B member 1; minus strand). Cytogenetic location: 2p22.2.
Variant type: single nucleotide variant.
Coding change: c.1047T>C on transcript NM_000104.4 (MANE Select); coding-DNA position 1047, T replaced by C.
Protein change: p.Tyr349=; no amino-acid change (tyrosine 349 retained).
Molecular consequence: synonymous variant.
Genome position (GRCh38, 1-based): chr2:38,071,307, A>G on the plus strand (T>C on the coding strand, the complement: CYP1B1 is on the minus strand). VCF-style: chr2-38071307-A-G. GRCh37 (hg19) VCF-style: chr2-38298450-A-G.
Identifiers: ClinVar variation 706998 (VCV000706998.13), dbSNP rs775908245, ClinGen allele CA1619875.

ClinVar aggregate classification (germline): Conflicting classifications of pathogenicity. Review status: criteria provided, conflicting classifications (1 of 4 stars). 4 submissions from 3 submitters: Uncertain significance (2); Likely benign (1). 1 of the submissions does not count toward it. Last evaluated 2026-01-24.

Conditions:
Congenital glaucoma. Identifiers: MedGen C0020302, MONDO:0020366.
CYP1B1-related disorder. Also called: CYP1B1-Related Disorders. Identifiers: MedGen CN239260.
Irido-corneo-trabecular dysgenesis (ASGD5). Also called: ANTERIOR SEGMENT DYSGENESIS 5. Identifiers: Orphanet 708, MedGen C0344559, MONDO:0011414, OMIM 604229, HP:0000659.
Glaucoma 3A. Also called: Glaucoma 3, primary congenital, A. Identifiers: Orphanet 98976, Orphanet 98977, MedGen C1856439, MONDO:0009277, OMIM 231300.

Allele frequency attached by ClinVar (database versions not stated): gnomAD exomes below 0.00001 and 0.00001; ExAC 0.00001; TOPMed 0.00004; gnomAD 0.00005.
gnomAD v4.1: 38 of 1,612,998 alleles (0.0024%); highest among the groups gnomAD compares: Admixed American, 0.013%; 1 homozygote.

Submissions (4):

Labcorp Genetics (formerly Invitae), Labcorp
Classification: Likely benign for Congenital glaucoma. Last evaluated: 2026-01-24. Review status: criteria provided, single submitter. Criteria: Invitae Variant Classification Sherloc (09022015). Collection method: clinical testing. Allele origin: germline.

Illumina Laboratory Services, Illumina
Classification: Uncertain significance for Irido-corneo-trabecular dysgenesis. Last evaluated: 2017-04-28. Review status: criteria provided, single submitter. Criteria: ICSL Variant Classification Criteria 13 December 2019. Collection method: clinical testing. Allele origin: germline.

Illumina Laboratory Services, Illumina
Classification: Uncertain significance for Glaucoma 3A. Last evaluated: 2017-04-28. Review status: criteria provided, single submitter. Criteria: ICSL Variant Classification Criteria 13 December 2019. Collection method: clinical testing. Allele origin: germline.

PreventionGenetics, part of Exact Sciences
Classification: Likely benign for CYP1B1-related condition. Last evaluated: 2024-05-05. Review status: no assertion criteria provided. Collection method: clinical testing. Allele origin: germline. Not counted in ClinVar's aggregate classification.
Comment: This variant is classified as likely benign based on ACMG/AMP sequence variant interpretation guidelines (Richards et al. 2015 PMID: 25741868, with internal and published modifications).